The following is an entry in ClinVar:

ClinVar aggregate classification (germline): Uncertain significance (1 of 4 stars; one submission).

Allele frequency attached by ClinVar (database versions not stated): gnomAD exomes 0.00001.
gnomAD v4.1: 9 of 1,551,686 alleles (0.00058%); highest among the groups gnomAD compares: South Asian, 0.0012%; no homozygotes.

Submission:

Labcorp Genetics (formerly Invitae), Labcorp
Classification: Uncertain significance. Last evaluated: 2025-03-17. Review status: criteria provided, single submitter. Criteria: Invitae Variant Classification Sherloc (09022015). Collection method: clinical testing. Allele origin: germline.
Comment: This sequence change replaces alanine, which is neutral and non-polar, with threonine, which is neutral and polar, at codon 94 of the LRIT3 protein (p.Ala94Thr). This variant is not present in population databases (gnomAD no frequency). This variant has not been reported in the literature in individuals affected with LRIT3-related conditions. ClinVar contains an entry for this variant (Variation ID: 1475808). An algorithm developed to predict the effect of missense changes on protein structure and function outputs the following: PolyPhen-2: "Benign". The threonine amino acid residue is found in multiple mammalian species, which suggests that this missense change does not adversely affect protein function. In summary, the available evidence is currently insufficient to determine the role of this variant in disease. Therefore, it has been classified as a Variant of Uncertain Significance.

NM_198506.5(LRIT3):c.280G>A (p.Ala94Thr)

Gene: LRIT3 (leucine rich repeat, Ig-like and transmembrane domains 3; plus strand). Cytogenetic location: 4q25.
Variant type: single nucleotide variant.
Coding change: c.280G>A on transcript NM_198506.5 (MANE Select); coding-DNA position 280, G replaced by A.
Protein change: p.Ala94Thr; replaces alanine 94 with threonine.
Molecular consequence: missense variant.
Genome position (GRCh38, 1-based): chr4:109,851,667, G>A. VCF-style: chr4-109851667-G-A. GRCh37 (hg19) VCF-style: chr4-110772823-G-A.
Other names: short protein forms A94T.
Identifiers: ClinVar variation 1475808 (VCV001475808.6), dbSNP rs2125897146, ClinGen allele CA357871422.
Genomic context (GRCh38, chr4:109,851,667, plus strand): 5'-GCGGAGGCCTTCTATTACCTGGTGGAGCTCCAGTATCTCTGGGTGACTTACAATTCCGTG[G>A]CCAGCATTGACCCCAGCAGCTTTTACAACCTGAAGCAACTGCATGAGTTGCGCTTGGATG-3'
Protein context (NP_940908.3, residues 84-104): QYLWVTYNSV[Ala94Thr]SIDPSSFYNL